The following is an entry in ClinVar:

ClinVar aggregate classification (germline): Uncertain significance (1 of 4 stars; one submission).

Conditions:
Mucopolysaccharidosis, MPS-III-B (MPS3B). Also called: MPS IIIB (Sanfilippo Syndrome Type B); N-ACETYL-ALPHA-D-GLUCOSAMINIDASE DEFICIENCY; NAGLU DEFICIENCY; SANFILIPPO SYNDROME B; MPS III B; Mucopolysaccharidosis type IIIB (Sanfilippo B). Identifiers: Orphanet 79270, MedGen C0086648, MONDO:0009656, OMIM 252920.
Charcot-Marie-Tooth disease axonal type 2V. Also called: CHARCOT-MARIE-TOOTH NEUROPATHY, TYPE 2V; CHARCOT-MARIE-TOOTH DISEASE, AXONAL, AUTOSOMAL DOMINANT, TYPE 2V. Identifiers: Orphanet 447964, MedGen C5569050, MONDO:0014665, OMIM 616491.

gnomAD v4.1: 18 of 1,614,236 alleles (0.0011%); highest among the groups gnomAD compares: Non-Finnish European, 0.0015%; no homozygotes.

Submission:

Labcorp Genetics (formerly Invitae), Labcorp
Classification: Uncertain significance for Charcot-Marie-Tooth disease axonal type 2V; Mucopolysaccharidosis, MPS-III-B. Last evaluated: 2025-07-02. Review status: criteria provided, single submitter. Criteria: Invitae Variant Classification Sherloc (09022015). Collection method: clinical testing. Allele origin: germline.
Comment: This sequence change replaces tryptophan, which is neutral and slightly polar, with arginine, which is basic and polar, at codon 156 of the NAGLU protein (p.Trp156Arg). This variant is present in population databases (no rsID available, gnomAD 0.0009%). This variant has not been reported in the literature in individuals affected with NAGLU-related conditions. Invitae Evidence Modeling of protein sequence and biophysical properties (such as structural, functional, and spatial information, amino acid conservation, physicochemical variation, residue mobility, and thermodynamic stability) indicates that this missense variant is expected to disrupt NAGLU protein function with a positive predictive value of 95%. In summary, the available evidence is currently insufficient to determine the role of this variant in disease. Therefore, it has been classified as a Variant of Uncertain Significance.

NM_000263.4(NAGLU):c.466T>C (p.Trp156Arg)

Gene: NAGLU (N-acetyl-alpha-glucosaminidase; plus strand). Cytogenetic location: 17q21.2.
Variant type: single nucleotide variant.
Coding change: c.466T>C on transcript NM_000263.4 (MANE Select); coding-DNA position 466, T replaced by C.
Protein change: p.Trp156Arg; replaces tryptophan 156 with arginine.
Molecular consequence: missense variant.
Genome position (GRCh38, 1-based): chr17:42,537,480, T>C. VCF-style: chr17-42537480-T-C. GRCh37 (hg19) VCF-style: chr17-40689498-T-C.
Other names: short protein forms W156R.
Identifiers: ClinVar variation 4791765 (VCV004791765.1).